The following is an entry in ClinVar:

NM_006270.5(RRAS):c.147C>A (p.Phe49Leu)

Gene: RRAS (RAS related; minus strand). Cytogenetic location: 19q13.33.
Variant type: single nucleotide variant.
Coding change: c.147C>A on transcript NM_006270.5 (MANE Select); coding-DNA position 147, C replaced by A.
Protein change: p.Phe49Leu; replaces phenylalanine 49 with leucine.
Molecular consequence: missense variant.
Genome position (GRCh38, 1-based): chr19:49,639,952, G>T on the plus strand (C>A on the coding strand, the complement: RRAS is on the minus strand). VCF-style: chr19-49639952-G-T. GRCh37 (hg19) VCF-style: chr19-50143209-G-T.
Other names: short protein forms F49L.
Identifiers: ClinVar variation 852666 (VCV000852666.9), dbSNP rs2081014653, ClinGen allele CA406849245.
Genomic context (GRCh38, chr19:49,639,952, plus strand): 5'-CAAGGGCTCAGTTCTGGGTCCCGGGGGACACCCTCCCGGGTGAGGGCCCACTACCTGGAT[G>T]AACTGGATGGTCAGCGCGCTCTTGCCCACGCCGCCGCCGCCCACGACCACCAGCTTGTGT-3'
Protein context (NP_006261.1, residues 39-59): GVGKSALTIQ[Phe49Leu]IQSYFVSDYD

ClinVar aggregate classification (germline): Uncertain significance (1 of 4 stars; one submission).

Conditions:
Noonan syndrome (NS). Also called: Noonan's syndrome. Identifiers: Orphanet 648, MedGen C0028326, MeSH D009634, MONDO:0018997. Disease mechanism: gain of function.

Submission:

Labcorp Genetics (formerly Invitae), Labcorp
Classification: Uncertain significance for Noonan syndrome. Last evaluated: 2019-02-09. Review status: criteria provided, single submitter. Criteria: Invitae Variant Classification Sherloc (09022015). Collection method: clinical testing. Allele origin: germline.
Comment: This sequence change replaces phenylalanine with leucine at codon 49 of the RRAS protein (p.Phe49Leu). The phenylalanine residue is highly conserved and there is a small physicochemical difference between phenylalanine and leucine. In summary, the available evidence is currently insufficient to determine the role of this variant in disease. Therefore, it has been classified as a Variant of Uncertain Significance. Algorithms developed to predict the effect of missense changes on protein structure and function are either unavailable or do not agree on the potential impact of this missense change (SIFT: "Tolerated"; PolyPhen-2: "Possibly Damaging"; Align-GVGD: "Class C0"). This variant has not been reported in the literature in individuals with RRAS-related conditions. This variant is not present in population databases (ExAC no frequency).